The following is an entry in ClinVar:

NM_001374736.1(DST):c.4881A>C (p.Gln1627His)

Gene: DST (dystonin; minus strand). Cytogenetic location: 6p12.1.
Variant type: single nucleotide variant.
Coding change: c.4881A>C on transcript NM_001374736.1 (MANE Select); coding-DNA position 4881, A replaced by C.
Protein change: p.Gln1627His; replaces glutamine 1627 with histidine.
Molecular consequence: missense variant.
Genome position (GRCh38, 1-based): chr6:56,624,578, T>G on the plus strand (A>C on the coding strand, the complement: DST is on the minus strand). VCF-style: chr6-56624578-T-G. GRCh37 (hg19) VCF-style: chr6-56489376-T-G.
Other names: c.4782A>C, p.Gln1594His (NM_001144769.5); c.4368A>C, p.Gln1456His (NM_001144770.2); c.4881A>C, p.Gln1627His (NM_001374722.1); c.4248A>C, p.Gln1416His (NM_001374729.1, NM_001374730.1, NM_001386100.1 and 1 more transcripts); c.4908A>C, p.Gln1636His (NM_001374734.1); c.3270A>C, p.Gln1090His (NM_001723.7, NM_015548.5); short protein forms Q1090H, Q1416H, Q1456H, Q1594H, Q1627H, Q1636H.
Identifiers: ClinVar variation 1333792 (VCV001333792.9), dbSNP rs775223944, ClinGen allele CA3870771.
Genomic context (GRCh38, chr6:56,624,578, plus strand): 5'-GTTAATGATTACCTCCTCCTCTTCCAGCCTCTTCAATGAATCACCAGCAAATTTAATATA[T>G]TGTGTCATGAGAGTGACCAGGGCAGTATATCGAGTCCTTAGGTCCATGAACTGCAAGTAA-3'
Protein context (NP_001361665.1, residues 1617-1637): RYTALVTLMT[Gln1627His]YIKFAGDSLK

ClinVar aggregate classification (germline): Uncertain significance. Review status: criteria provided, multiple submitters, no conflicts (2 of 4 stars). 2 submissions from 2 submitters: Uncertain significance (2). Last evaluated 2023-09-22.

Conditions:
Hereditary sensory and autonomic neuropathy type 6. Also called: HSAN VI; Neuropathy, hereditary sensory and autonomic, type VI. Identifiers: Orphanet 314381, MedGen C3539003, MONDO:0013839, OMIM 614653.
Epidermolysis bullosa simplex 3, localized or generalized intermediate, with BP230 deficiency (EBS3). Also called: Epidermolysis bullosa simplex, autosomal recessive 2; Epidermolysis bullosa simplex due to BP230 deficiency. Identifiers: Orphanet 412181, MedGen C3809470, MONDO:0014180, OMIM 615425.

Allele frequency attached by ClinVar (database versions not stated): TOPMed below 0.00001; ExAC 0.00001; gnomAD 0.00001; gnomAD exomes 0.00001.
gnomAD v4.1: 8 of 1,613,386 alleles (0.0005%); highest among the groups gnomAD compares: Non-Finnish European, 0.00068%; no homozygotes.

Submissions (2):

Labcorp Genetics (formerly Invitae), Labcorp
Classification: Uncertain significance for Epidermolysis bullosa simplex 3, localized or generalized intermediate, with BP230 deficiency; Hereditary sensory and autonomic neuropathy type 6. Last evaluated: 2023-09-22. Review status: criteria provided, single submitter. Criteria: Invitae Variant Classification Sherloc (09022015). Collection method: clinical testing. Allele origin: germline.
Comment: In summary, the available evidence is currently insufficient to determine the role of this variant in disease. Therefore, it has been classified as a Variant of Uncertain Significance. An algorithm developed to predict the effect of missense changes on protein structure and function (PolyPhen-2) suggests that this variant is likely to be disruptive. ClinVar contains an entry for this variant (Variation ID: 1333792). This variant has not been reported in the literature in individuals affected with DST-related conditions. This variant is present in population databases (rs775223944, gnomAD 0.0009%). This sequence change replaces glutamine, which is neutral and polar, with histidine, which is basic and polar, at codon 1090 of the DST protein (p.Gln1090His).

CENTOGENE GmbH and LLC - Guiding Precision Medicine
Classification: Uncertain significance for Hereditary sensory and autonomic neuropathy type 6. Last evaluated: 2018-07-13. Review status: criteria provided, single submitter. Criteria: ACMG Guidelines, 2015. Collection method: clinical testing. Allele origin: germline. Affected: yes.